The following is an entry in ClinVar:

ClinVar aggregate classification (germline): Pathogenic (1 of 4 stars; one submission).

Conditions:
CYP11B1-related disorder. Also called: CYP11B1-related condition.

Submission:

PreventionGenetics, part of Exact Sciences
Classification: Pathogenic for CYP11B1-related condition. Last evaluated: 2026-05-09. Review status: criteria provided, single submitter. Criteria: ACMG Guidelines, 2015. Collection method: clinical testing. Allele origin: germline.
Comment: The CYP11B1 c.960_961delGT variant is predicted to result in a frameshift and premature protein termination (p.Phe321Serfs*8). To our knowledge, this variant has not been reported in the literature or in a large population database (gnomAD), indicating this variant is rare. Frameshift variants in CYP11B1 are expected to be pathogenic. This variant is interpreted as pathogenic.

NM_000497.4(CYP11B1):c.960_961del (p.Phe321fs)

Genes: CYP11B1 (cytochrome P450 family 11 subfamily B member 1; minus strand), LOC106799833 (CYP11B1 recombination region; plus strand). Cytogenetic location: 8q24.3.
Variant type: Microsatellite.
Coding change: c.960_961del on transcript NM_000497.4 (MANE Select); coding-DNA positions 960 to 961, 2 bases deleted (GT; older notation c.960_961delGT).
Protein change: p.Phe321fs; shifts the reading frame from phenylalanine 321.
Molecular consequence: frameshift variant.
Genome position (GRCh38, 1-based): chr8:142,875,872-142,875,873, AC deleted on the plus strand (GT on the coding strand, the reverse complement: CYP11B1 is on the minus strand); deleting any 2 consecutive bases within chr8:142,875,872-142,875,875 gives the same sequence; the c. name uses the placement nearest the transcript's 3' end. VCF-style (leftmost placement, unchanged base first): chr8-142875871-AAC-A. GRCh37 (hg19) VCF-style: chr8-143957287-AAC-A.
Other names: c.960_961del, p.Phe321fs (NM_001026213.1); short protein forms F321fs.
Identifiers: ClinVar variation 4999992 (VCV004999992.1).